The following is an entry in ClinVar:

NM_001206998.2(ZNRF3):c.887G>A (p.Cys296Tyr)

Gene: ZNRF3 (zinc and ring finger 3; plus strand). Cytogenetic location: 22q12.1.
Variant type: single nucleotide variant.
Coding change: c.887G>A on transcript NM_001206998.2 (MANE Select); coding-DNA position 887, G replaced by A.
Protein change: p.Cys296Tyr; replaces cysteine 296 with tyrosine.
Molecular consequence: missense variant.
Genome position (GRCh38, 1-based): chr22:29,046,858, G>A. VCF-style: chr22-29046858-G-A. GRCh37 (hg19) VCF-style: chr22-29442846-G-A.
Other names: c.587G>A, p.Cys196Tyr (NM_032173.4); short protein forms C196Y, C296Y.
Identifiers: ClinVar variation 3238962 (VCV003238962.1), dbSNP rs2517589753.

ClinVar aggregate classification (germline): Pathogenic (1 of 4 stars; one submission).

Conditions:
ZNRF3-related disorder.

Submission:

Institute of Medical Genetics, University of Zurich
Classification: Pathogenic for ZNRF3-related disorder. Last evaluated: 2024-05-29. Review status: criteria provided, single submitter. Criteria: ACMG Guidelines, 2015. Collection method: research. Allele origin: germline. Affected: yes.
Comment: ACMG criteria applied: PS3 (Well-established in vitro or in vivo functional studies supportive of a damaging effect on the gene or gene product), PM1 (Located in a mutational hot spot and/or critical and well-established functional domain), PM6 (assumed de novo), PM2 (absent from controls), PP3 (in silico programs predict a deleterious effect)